The following is an entry in ClinVar:

ClinVar aggregate classification (germline): Uncertain significance (1 of 4 stars; one submission).

Submission:

Labcorp Genetics (formerly Invitae), Labcorp
Classification: Uncertain significance. Last evaluated: 2022-08-16. Review status: criteria provided, single submitter. Criteria: Invitae Variant Classification Sherloc (09022015). Collection method: clinical testing. Allele origin: germline.
Comment: In summary, the available evidence is currently insufficient to determine the role of this variant in disease. Therefore, it has been classified as a Variant of Uncertain Significance. Algorithms developed to predict the effect of sequence changes on RNA splicing suggest that this variant may create or strengthen a splice site. Algorithms developed to predict the effect of missense changes on protein structure and function are either unavailable or do not agree on the potential impact of this missense change (SIFT: "Deleterious"; PolyPhen-2: "Probably Damaging"; Align-GVGD: "Class C0"). ClinVar contains an entry for this variant (Variation ID: 1011178). This variant has not been reported in the literature in individuals affected with ERBIN-related conditions. This variant is not present in population databases (gnomAD no frequency). This sequence change replaces leucine, which is neutral and non-polar, with phenylalanine, which is neutral and non-polar, at codon 449 of the ERBIN protein (p.Leu449Phe).

NM_001253697.2(ERBIN):c.1347G>T (p.Leu449Phe)

Gene: ERBIN (erbb2 interacting protein; plus strand). Cytogenetic location: 5q12.3.
Variant type: single nucleotide variant.
Coding change: c.1347G>T on transcript NM_001253697.2 (MANE Select); coding-DNA position 1347, G replaced by T.
Protein change: p.Leu449Phe; replaces leucine 449 with phenylalanine.
Molecular consequence: missense variant.
Genome position (GRCh38, 1-based): chr5:66,043,117, G>T. VCF-style: chr5-66043117-G-T. GRCh37 (hg19) VCF-style: chr5-65338945-G-T.
Other names: c.1347G>T, p.Leu449Phe (NM_001006600.3, NM_001253698.2, NM_001253699.2 and 2 more transcripts); short protein forms L449F.
Identifiers: ClinVar variation 1011178 (VCV001011178.8), dbSNP rs1758080542, ClinGen allele CA359976261.
Genomic context (GRCh38, chr5:66,043,117, plus strand): 5'-TGTTTTTTACTTTTCTCTAGTTATGTTTATATCAGATAATGAAAGTTTTAACCCTTCATT[G>T]TGGGAGGAACAGAGGAAACAGCGGGCTCAAGTTGCATTTGAATGTGATGAAGACAAAGAT-3'
Protein context (NP_001240626.1, residues 439-459): ISDNESFNPS[Leu449Phe]WEEQRKQRAQ